The following is an entry in ClinVar:

ClinVar aggregate classification (germline): Uncertain significance (1 of 4 stars; one submission).

Conditions:
Wilson disease (WND). Also called: Wilson's disease. Identifiers: Orphanet 905, MedGen C0019202, MONDO:0010200, OMIM 277900. Disease mechanism: loss of function.

Submission:

Color Diagnostics, LLC DBA Color Health
Classification: Uncertain significance for Wilson disease. Last evaluated: 2025-07-03. Review status: criteria provided, single submitter. Criteria: ACMG Guidelines, 2015. Collection method: clinical testing. Allele origin: germline.
Comment: This missense variant replaces proline with arginine at codon 821 of the ATP7B protein. Computational prediction is inconclusive regarding the impact of this variant on protein structure and function. To our knowledge, functional studies have not been reported for this variant. This variant has not been reported in individuals affected with ATP7B-related disorders in the literature. This variant has been identified in 2/249540 chromosomes in the general population by the Genome Aggregation Database (gnomAD). The available evidence is insufficient to determine the role of this variant in disease conclusively. Therefore, this variant is classified as a Variant of Uncertain Significance.

NM_000053.4(ATP7B):c.2462C>G (p.Pro821Arg)

Gene: ATP7B (ATPase copper transporting beta; minus strand). Cytogenetic location: 13q14.3.
Variant type: single nucleotide variant.
Coding change: c.2462C>G on transcript NM_000053.4 (MANE Select); coding-DNA position 2462, C replaced by G.
Protein change: p.Pro821Arg; replaces proline 821 with arginine.
Molecular consequence: missense variant. On other transcripts: intron variant (1).
Genome position (GRCh38, 1-based): chr13:51,950,385, G>C on the plus strand (C>G on the coding strand, the complement: ATP7B is on the minus strand). VCF-style: chr13-51950385-G-C. GRCh37 (hg19) VCF-style: chr13-52524521-G-C.
Other names: c.2462C>G, p.Pro821Arg (NM_001406512.1, NM_001406513.1, NM_001406515.1 and 7 more transcripts); c.2429C>G, p.Pro810Arg (NM_001406514.1); c.2366C>G, p.Pro789Arg (NM_001406517.1, NM_001406518.1); c.2318C>G, p.Pro773Arg (NM_001406520.1, NM_001406537.1, NM_001406521.1 and 1 more transcripts); c.2210C>G, p.Pro737Arg (NM_001406532.1, NM_001406540.1, NM_001330579.2 and 1 more transcripts); c.2228C>G, p.Pro743Arg (NM_001406534.1, NM_001406538.1, NM_001330578.2 and 2 more transcripts); c.2132C>G, p.Pro711Arg (NM_001406536.1); c.2033C>G, p.Pro678Arg (NM_001406539.1); and 8 more; short protein forms P605R, P627R, P659R, P678R, P705R, P710R, P711R, P737R.
Identifiers: ClinVar variation 4757246 (VCV004757246.1).